The following is an entry in ClinVar:

ClinVar aggregate classification (germline): Uncertain significance (1 of 4 stars; one submission).

Conditions:
RYR1-related disorder. Also called: RYR1-related condition; RYR1-related disorders. Identifiers: MedGen CN239331.

Submission:

Labcorp Genetics (formerly Invitae), Labcorp
Classification: Uncertain significance for RYR1-related disorder. Last evaluated: 2022-03-12. Review status: criteria provided, single submitter. Criteria: Invitae Variant Classification Sherloc (09022015). Collection method: clinical testing. Allele origin: germline.
Comment: This variant, c.12788_12793del, results in the deletion of 2 amino acid(s) of the RYR1 protein (p.Glu4263_Gly4264del), but otherwise preserves the integrity of the reading frame. In summary, the available evidence is currently insufficient to determine the role of this variant in disease. Therefore, it has been classified as a Variant of Uncertain Significance. Experimental studies and prediction algorithms are not available or were not evaluated, and the functional significance of this variant is currently unknown. This variant has not been reported in the literature in individuals affected with RYR1-related conditions. This variant is not present in population databases (gnomAD no frequency).

NM_000540.3(RYR1):c.12788_12793del (p.Glu4263_Gly4264del)

Gene: RYR1 (ryanodine receptor 1; plus strand). Cytogenetic location: 19q13.2.
Variant type: Deletion.
Coding change: c.12788_12793del on transcript NM_000540.3 (MANE Select); coding-DNA positions 12788 to 12793, 6 bases deleted (AGGGCG; older notation c.12788_12793delAGGGCG).
Protein change: p.Glu4263_Gly4264del.
Molecular consequence: inframe deletion.
Genome position (GRCh38, 1-based): chr19:38,565,122-38,565,127, AGGGCG deleted; deleting any 6 consecutive bases within chr19:38,565,120-38,565,127 gives the same sequence; the c. name uses the placement nearest the transcript's 3' end. VCF-style (leftmost placement, unchanged base first): chr19-38565119-ACGAGGG-A. GRCh37 (hg19) VCF-style: chr19-39055759-ACGAGGG-A.
Other names: c.12773_12778del, p.Glu4258_Gly4259del (NM_001042723.2).
Identifiers: ClinVar variation 1974115 (VCV001974115.5), dbSNP rs1463161041, ClinGen allele CA2580097178.